The following is an entry in ClinVar:

NM_019066.5(MAGEL2):c.2963C>G (p.Ser988Cys)

Gene: MAGEL2 (MAGE family member L2; minus strand). Cytogenetic location: 15q11.2.
Variant type: single nucleotide variant.
Coding change: c.2963C>G on transcript NM_019066.5 (MANE Select); coding-DNA position 2963, C replaced by G.
Protein change: p.Ser988Cys; replaces serine 988 with cysteine.
Molecular consequence: missense variant.
Genome position (GRCh38, 1-based): chr15:23,644,780, G>C on the plus strand (C>G on the coding strand, the complement: MAGEL2 is on the minus strand). VCF-style: chr15-23644780-G-C. GRCh37 (hg19) VCF-style: chr15-23889927-G-C.
Other names: short protein forms S988C.
Identifiers: ClinVar variation 2534901 (VCV002534901.7), dbSNP rs746183066, ClinGen allele CA7429780.

ClinVar aggregate classification (germline): Uncertain significance. Review status: criteria provided, multiple submitters, no conflicts (2 of 4 stars). 3 submissions from 3 submitters: Uncertain significance (3). Last evaluated 2025-12-09.

Conditions:
MAGEL2-related disorder. Also called: MAGEL2-related condition.
Inborn genetic diseases. Identifiers: MedGen C0950123, MeSH D030342.

Allele frequency attached by ClinVar (database versions not stated): gnomAD exomes below 0.00001; ExAC 0.00001; gnomAD 0.00001; TOPMed 0.00003.
gnomAD v4.1: 8 of 1,613,560 alleles (0.0005%); highest among the groups gnomAD compares: African/African-American, 0.011%; no homozygotes.

Submissions (3):

Ambry Genetics
Classification: Uncertain significance for Inborn genetic diseases. Last evaluated: 2025-12-09. Review status: criteria provided, single submitter. Criteria: Ambry Variant Classification Scheme 2023. Collection method: clinical testing. Allele origin: germline.

PreventionGenetics, part of Exact Sciences
Classification: Uncertain significance for MAGEL2-related condition. Last evaluated: 2025-09-03. Review status: criteria provided, single submitter. Criteria: ACMG Guidelines, 2015. Collection method: clinical testing. Allele origin: germline.
Comment: The MAGEL2 c.2963C>G variant is predicted to result in the amino acid substitution p.Ser988Cys. To our knowledge, this variant has not been reported in the literature. This variant is reported in 0.017% of alleles in individuals of African descent in gnomAD. At this time, the clinical significance of this variant is uncertain due to the absence of conclusive functional and genetic evidence.

Labcorp Genetics (formerly Invitae), Labcorp
Classification: Uncertain significance. Last evaluated: 2024-10-26. Review status: criteria provided, single submitter. Criteria: Invitae Variant Classification Sherloc (09022015). Collection method: clinical testing. Allele origin: germline.
Comment: This sequence change replaces serine, which is neutral and polar, with cysteine, which is neutral and slightly polar, at codon 988 of the MAGEL2 protein (p.Ser988Cys). This variant is present in population databases (rs746183066, gnomAD 0.02%). This variant has not been reported in the literature in individuals affected with MAGEL2-related conditions. ClinVar contains an entry for this variant (Variation ID: 2534901). Invitae Evidence Modeling of protein sequence and biophysical properties (such as structural, functional, and spatial information, amino acid conservation, physicochemical variation, residue mobility, and thermodynamic stability) indicates that this missense variant is not expected to disrupt MAGEL2 protein function with a negative predictive value of 80%. In summary, the available evidence is currently insufficient to determine the role of this variant in disease. Therefore, it has been classified as a Variant of Uncertain Significance.